The following is an entry in ClinVar:

NM_024422.6(DSC2):c.2462A>G (p.Tyr821Cys)

Gene: DSC2 (desmocollin 2; minus strand). Cytogenetic location: 18q12.1.
Variant type: single nucleotide variant.
Coding change: c.2462A>G on transcript NM_024422.6 (MANE Select); coding-DNA position 2462, A replaced by G.
Protein change: p.Tyr821Cys; replaces tyrosine 821 with cysteine.
Molecular consequence: missense variant.
Genome position (GRCh38, 1-based): chr18:31,068,940, T>C on the plus strand (A>G on the coding strand, the complement: DSC2 is on the minus strand). VCF-style: chr18-31068940-T-C. GRCh37 (hg19) VCF-style: chr18-28648906-T-C.
Other names: c.2462A>G, p.Tyr821Cys (NM_004949.5); c.2462A>G (NM_024422.3); short protein forms Y821C.
Identifiers: ClinVar variation 939261 (VCV000939261.10), dbSNP rs762627642, ClinGen allele CA402111221.
Genomic context (GRCh38, chr18:31,068,940, plus strand): 5'-TTAGGAAAACTCACTTCACCAAGACGGGGCTGAGTAAAACTGTGCCACTCCGAGTAAGTG[T>C]ATCTGCAGTTGTCCACCTCCGTGTGTCCTCCCCTGCAGGAGTCCAGGGTGTGATGGTGGC-3'
Protein context (NP_077740.1, residues 811-831): GGHTEVDNCR[Tyr821Cys]TYSEWHSFTQ

ClinVar aggregate classification (germline): Uncertain significance. Review status: criteria provided, multiple submitters, no conflicts (2 of 4 stars). 4 submissions from 4 submitters: Uncertain significance (4). Last evaluated 2025-09-25.

Conditions:
Familial isolated arrhythmogenic right ventricular dysplasia. Identifiers: Orphanet 217656, MedGen C4274968, MONDO:0016342.
Cardiovascular phenotype. Identifiers: MedGen CN230736.
Arrhythmogenic right ventricular dysplasia 11. Also called: Arrhythmogenic Right Ventricular Dysplasia/Cardiomyopathy11; ARRHYTHMOGENIC RIGHT VENTRICULAR DYSPLASIA, FAMILIAL, 11; Arrhythmogenic right ventricular dysplasia 11 with mild palmoplantar keratoderma and woolly hair. Identifiers: MedGen C1864850, MONDO:0012506, OMIM 610476.

gnomAD v4.1: 1 of 1,614,004 alleles (0.000062%); highest among the groups gnomAD compares: Admixed American, 0.0017%; no homozygotes.

Submissions (4):

Ambry Genetics
Classification: Uncertain significance for Cardiovascular phenotype. Last evaluated: 2025-09-25. Review status: criteria provided, single submitter. Criteria: Ambry Variant Classification Scheme 2023. Collection method: clinical testing. Allele origin: germline.
Comment: The p.Y821C variant (also known as c.2462A>G), located in coding exon 15 of the DSC2 gene, results from an A to G substitution at nucleotide position 2462. The tyrosine at codon 821 is replaced by cysteine, an amino acid with highly dissimilar properties. This amino acid position is conserved. In addition, the in silico prediction for this alteration is inconclusive. Based on the available evidence, the clinical significance of this variant remains unclear.

GeneDx
Classification: Uncertain significance. Last evaluated: 2025-06-11. Review status: criteria provided, single submitter. Criteria: GeneDx Variant Classification Process June 2021. Collection method: clinical testing. Allele origin: germline. Affected: yes.
Comment: Not observed at significant frequency in large population cohorts (gnomAD); In silico analysis supports that this missense variant has a deleterious effect on protein structure/function; Has not been previously published as pathogenic or benign to our knowledge

All of Us Research Program, National Institutes of Health
Classification: Uncertain significance for Familial isolated arrhythmogenic right ventricular dysplasia. Last evaluated: 2024-08-06. Review status: criteria provided, single submitter. Criteria: ACMG Guidelines, 2015. Collection method: clinical testing. Allele origin: germline. Inheritance: Autosomal dominant inheritance. Observed: 1 variant allele, 1 heterozygote.
Comment: This study involves interpretation of variants in research participants for the purpose of population health screening. Participant phenotype was not available at the time of variant classification. Additional details can be found in publication PMID: 35346344, PMCID: PMC8962531

Labcorp Genetics (formerly Invitae), Labcorp
Classification: Uncertain significance for Arrhythmogenic right ventricular dysplasia 11. Last evaluated: 2022-09-01. Review status: criteria provided, single submitter. Criteria: Invitae Variant Classification Sherloc (09022015). Collection method: clinical testing. Allele origin: germline.
Comment: This sequence change replaces tyrosine, which is neutral and polar, with cysteine, which is neutral and slightly polar, at codon 821 of the DSC2 protein (p.Tyr821Cys). This variant is present in population databases (no rsID available, gnomAD 0.003%). This variant has not been reported in the literature in individuals affected with DSC2-related conditions. ClinVar contains an entry for this variant (Variation ID: 939261). Algorithms developed to predict the effect of missense changes on protein structure and function (SIFT, PolyPhen-2, Align-GVGD) all suggest that this variant is likely to be tolerated. In summary, the available evidence is currently insufficient to determine the role of this variant in disease. Therefore, it has been classified as a Variant of Uncertain Significance.